The following is an entry in ClinVar:

ClinVar aggregate classification (germline): Uncertain significance. Review status: criteria provided, multiple submitters, no conflicts (2 of 4 stars). 2 submissions from 2 submitters: Uncertain significance (2). Last evaluated 2025-11-13.

Conditions:
Short-rib thoracic dysplasia 11 with or without polydactyly (SRTD11). Also called: SHORT-RIB THORACIC DYSPLASIA 11 WITHOUT POLYDACTYLY. Identifiers: Orphanet 474, Orphanet 93271, MedGen C3810200, MONDO:0014287, OMIM 615633.
Inborn genetic diseases. Identifiers: MedGen C0950123, MeSH D030342.

Allele frequency attached by ClinVar (database versions not stated): ESP Exome Variant Server 0.00038; gnomAD exomes 0.00006 and 0.00002; ExAC 0.00008; gnomAD 0.00022 and 0.00021; TOPMed 0.00025.
gnomAD v4.1: 71 of 1,613,592 alleles (0.0044%); highest among the groups gnomAD compares: African/African-American, 0.072%; no homozygotes.

Submissions (2):

Ambry Genetics
Classification: Uncertain significance for Inborn genetic diseases. Last evaluated: 2025-11-13. Review status: criteria provided, single submitter. Criteria: Ambry Variant Classification Scheme 2023. Collection method: clinical testing. Allele origin: germline.

Labcorp Genetics (formerly Invitae), Labcorp
Classification: Uncertain significance for Short-rib thoracic dysplasia 11 with or without polydactyly. Last evaluated: 2022-08-16. Review status: criteria provided, single submitter. Criteria: Invitae Variant Classification Sherloc (09022015). Collection method: clinical testing. Allele origin: germline.
Comment: This sequence change replaces serine, which is neutral and polar, with proline, which is neutral and non-polar, at codon 455 of the WDR34 protein (p.Ser455Pro). This variant is present in population databases (rs146562225, gnomAD 0.06%). This variant has not been reported in the literature in individuals affected with WDR34-related conditions. ClinVar contains an entry for this variant (Variation ID: 1681182). Algorithms developed to predict the effect of missense changes on protein structure and function are either unavailable or do not agree on the potential impact of this missense change (SIFT: "Deleterious"; PolyPhen-2: "Possibly Damaging"; Align-GVGD: "Class C0"). In summary, the available evidence is currently insufficient to determine the role of this variant in disease. Therefore, it has been classified as a Variant of Uncertain Significance.

NM_052844.4(DYNC2I2):c.1363T>C (p.Ser455Pro)

Gene: DYNC2I2 (dynein 2 intermediate chain 2; minus strand). Cytogenetic location: 9q34.11.
Variant type: single nucleotide variant.
Coding change: c.1363T>C on transcript NM_052844.4 (MANE Select); coding-DNA position 1363, T replaced by C.
Protein change: p.Ser455Pro; replaces serine 455 with proline.
Molecular consequence: missense variant.
Genome position (GRCh38, 1-based): chr9:128,634,235, A>G on the plus strand (T>C on the coding strand, the complement: DYNC2I2 is on the minus strand). VCF-style: chr9-128634235-A-G. GRCh37 (hg19) VCF-style: chr9-131396514-A-G.
Other names: c.1363T>C (NM_052844.3); short protein forms S455P.
Identifiers: ClinVar variation 1681182 (VCV001681182.4), dbSNP rs146562225, ClinGen allele CA5266247.